The following is an entry in ClinVar:

ClinVar aggregate classification (germline): Uncertain significance (1 of 4 stars; one submission).

Conditions:
Multiple endocrine neoplasia, type 2 (MEN2). Identifiers: Orphanet 653, MedGen C4048306, MONDO:0019003. Disease mechanism: gain of function.

Submission:

Labcorp Genetics (formerly Invitae), Labcorp
Classification: Uncertain significance for Multiple endocrine neoplasia, type 2. Last evaluated: 2025-07-10. Review status: criteria provided, single submitter. Criteria: Invitae Variant Classification Sherloc (09022015). Collection method: clinical testing. Allele origin: germline.
Comment: This sequence change replaces leucine, which is neutral and non-polar, with isoleucine, which is neutral and non-polar, at codon 29 of the RET protein (p.Leu29Ile). This variant is not present in population databases (gnomAD no frequency). This variant has not been reported in the literature in individuals affected with RET-related conditions. An algorithm developed to predict the effect of missense changes on protein structure and function (PolyPhen-2) suggests that this variant is likely to be tolerated. In summary, the available evidence is currently insufficient to determine the role of this variant in disease. Therefore, it has been classified as a Variant of Uncertain Significance.

NM_020975.6(RET):c.85C>A (p.Leu29Ile)

Gene: RET (ret proto-oncogene; plus strand). Cytogenetic location: 10q11.21.
Variant type: single nucleotide variant.
Coding change: c.85C>A on transcript NM_020975.6 (MANE Select); coding-DNA position 85, C replaced by A.
Protein change: p.Leu29Ile; replaces leucine 29 with isoleucine.
Molecular consequence: missense variant. On other transcripts: intron variant (4).
Genome position (GRCh38, 1-based): chr10:43,100,470, C>A. VCF-style: chr10-43100470-C-A. GRCh37 (hg19) VCF-style: chr10-43595918-C-A.
Other names: c.85C>A, p.Leu29Ile (NM_001406743.1, NM_001406744.1, NM_001406759.1 and 32 more transcripts); c.74-8561C>A (NM_001406784.1); c.74-11629C>A (NM_001406794.1, NM_001406792.1, NM_001406793.1); short protein forms L29I.
Identifiers: ClinVar variation 4722624 (VCV004722624.1).